The following is an entry in ClinVar:

ClinVar aggregate classification (germline): Uncertain significance (1 of 4 stars; one submission).

Conditions:
Muscular dystrophy-dystroglycanopathy (congenital with brain and eye anomalies), type a, 8 (MDDGA8). Also called: WALKER-WARBURG SYNDROME OR MUSCLE-EYE-BRAIN DISEASE, GTDC2-RELATED. Identifiers: Orphanet 899, MedGen C3553813, MONDO:0013904, OMIM 614830.

Allele frequency attached by ClinVar (database versions not stated): gnomAD exomes below 0.00001; TOPMed below 0.00001.

Submission:

Labcorp Genetics (formerly Invitae), Labcorp
Classification: Uncertain significance for Muscular dystrophy-dystroglycanopathy (congenital with brain and eye anomalies), type a, 8. Last evaluated: 2022-07-30. Review status: criteria provided, single submitter. Criteria: Invitae Variant Classification Sherloc (09022015). Collection method: clinical testing. Allele origin: germline.
Comment: This sequence change replaces asparagine, which is neutral and polar, with aspartic acid, which is acidic and polar, at codon 370 of the POMGNT2 protein (p.Asn370Asp). This variant is not present in population databases (gnomAD no frequency). This variant has not been reported in the literature in individuals affected with POMGNT2-related conditions. Algorithms developed to predict the effect of missense changes on protein structure and function are either unavailable or do not agree on the potential impact of this missense change (SIFT: "Deleterious"; PolyPhen-2: "Probably Damaging"; Align-GVGD: "Class C0"). In summary, the available evidence is currently insufficient to determine the role of this variant in disease. Therefore, it has been classified as a Variant of Uncertain Significance.

NM_032806.6(POMGNT2):c.1108A>G (p.Asn370Asp)

Gene: POMGNT2 (protein O-linked mannose N-acetylglucosaminyltransferase 2 (beta 1,4-); minus strand). Cytogenetic location: 3p22.1.
Variant type: single nucleotide variant.
Coding change: c.1108A>G on transcript NM_032806.6 (MANE Select); coding-DNA position 1108, A replaced by G.
Protein change: p.Asn370Asp; replaces asparagine 370 with aspartic acid.
Molecular consequence: missense variant.
Genome position (GRCh38, 1-based): chr3:43,080,324, T>C on the plus strand (A>G on the coding strand, the complement: POMGNT2 is on the minus strand). VCF-style: chr3-43080324-T-C. GRCh37 (hg19) VCF-style: chr3-43121816-T-C.
Other names: short protein forms N370D.
Identifiers: ClinVar variation 1991583 (VCV001991583.4), dbSNP rs2089837877, ClinGen allele CA352301836.